The following is an entry in ClinVar:

ClinVar aggregate classification (germline): Uncertain significance (1 of 4 stars; one submission).

Conditions:
Noonan syndrome 9 (NS9). Identifiers: Orphanet 648, MedGen C4225282, MONDO:0014691, OMIM 616559.

Submission:

Labcorp Genetics (formerly Invitae), Labcorp
Classification: Uncertain significance for Noonan syndrome 9. Last evaluated: 2025-07-09. Review status: criteria provided, single submitter. Criteria: Invitae Variant Classification Sherloc (09022015). Collection method: clinical testing. Allele origin: germline.
Comment: This sequence change falls in intron 16 of the SOS2 gene. It does not directly change the encoded amino acid sequence of the SOS2 protein. It affects a nucleotide within the consensus splice site. This variant is not present in population databases (gnomAD no frequency). This variant has not been reported in the literature in individuals affected with SOS2-related conditions. Variants that disrupt the consensus splice site are a relatively common cause of aberrant splicing (PMID: 17576681, 9536098). Algorithms developed to predict the effect of sequence changes on RNA splicing suggest that this variant may disrupt the consensus splice site. In summary, the available evidence is currently insufficient to determine the role of this variant in disease. Therefore, it has been classified as a Variant of Uncertain Significance.

Literature cited by the submitters: PubMed 17576681; PubMed 9536098.

NM_006939.4(SOS2):c.2668-3A>G

Gene: SOS2 (SOS Ras/Rho guanine nucleotide exchange factor 2; minus strand). Cytogenetic location: 14q21.3.
Variant type: single nucleotide variant.
Coding change: c.2668-3A>G on transcript NM_006939.4 (MANE Select); 3 bases into the intron before coding-DNA position 2668, A replaced by G.
Molecular consequence: intron variant.
Genome position (GRCh38, 1-based): chr14:50,140,062, T>C on the plus strand (A>G on the coding strand, the complement: SOS2 is on the minus strand). VCF-style: chr14-50140062-T-C. GRCh37 (hg19) VCF-style: chr14-50606780-T-C.
Other names: c.2569-3A>G (NM_001411020.1).
Identifiers: ClinVar variation 4772766 (VCV004772766.1).